The following is an entry in ClinVar:

ClinVar aggregate classification (germline): Uncertain significance (1 of 4 stars; one submission).

Conditions:
Familial cancer of breast. Also called: BREAST CANCER, FAMILIAL; hereditary breast carcinoma; Hereditary breast cancer. Identifiers: Orphanet 227535, MedGen C0346153, MONDO:0016419, OMIM 114480. Disease mechanism: loss of function.
Fanconi anemia complementation group J. Also called: BRIP1-Related Fanconi Anemia. Identifiers: Orphanet 84, MedGen C1836860, MONDO:0012187, OMIM 609054.

Allele frequency attached by ClinVar (database versions not stated): gnomAD exomes below 0.00001; gnomAD 0.00001.
gnomAD v4.1: 5 of 1,612,376 alleles (0.00031%); highest among the groups gnomAD compares: Non-Finnish European, 0.00042%; no homozygotes.

Submission:

Labcorp Genetics (formerly Invitae), Labcorp
Classification: Uncertain significance for Familial cancer of breast; Fanconi anemia complementation group J. Last evaluated: 2025-04-27. Review status: criteria provided, single submitter. Criteria: Invitae Variant Classification Sherloc (09022015). Collection method: clinical testing. Allele origin: germline.
Comment: This sequence change replaces isoleucine, which is neutral and non-polar, with methionine, which is neutral and non-polar, at codon 857 of the BRIP1 protein (p.Ile857Met). This variant is present in population databases (no rsID available, gnomAD 0.007%). This variant has not been reported in the literature in individuals affected with BRIP1-related conditions. ClinVar contains an entry for this variant (Variation ID: 639965). Invitae Evidence Modeling of protein sequence and biophysical properties (such as structural, functional, and spatial information, amino acid conservation, physicochemical variation, residue mobility, and thermodynamic stability) has been performed for this missense variant. However, the output from this modeling did not meet the statistical confidence thresholds required to predict the impact of this variant on BRIP1 protein function. In summary, the available evidence is currently insufficient to determine the role of this variant in disease. Therefore, it has been classified as a Variant of Uncertain Significance.

NM_032043.3(BRIP1):c.2571A>G (p.Ile857Met)

Gene: BRIP1 (BRCA1 interacting DNA helicase 1; minus strand). Cytogenetic location: 17q23.2.
Variant type: single nucleotide variant.
Coding change: c.2571A>G on transcript NM_032043.3 (MANE Select); coding-DNA position 2571, A replaced by G.
Protein change: p.Ile857Met; replaces isoleucine 857 with methionine.
Molecular consequence: missense variant.
Genome position (GRCh38, 1-based): chr17:61,693,434, T>C on the plus strand (A>G on the coding strand, the complement: BRIP1 is on the minus strand). VCF-style: chr17-61693434-T-C. GRCh37 (hg19) VCF-style: chr17-59770795-T-C.
Other names: short protein forms I857M.
Identifiers: ClinVar variation 639965 (VCV000639965.11), dbSNP rs1427254734, ClinGen allele CA400482318.